The following is an entry in ClinVar:

ClinVar aggregate classification (germline): Likely pathogenic. Review status: criteria provided, multiple submitters, no conflicts (2 of 4 stars). 3 submissions from 3 submitters: Likely pathogenic (2). 1 of the submissions does not count toward it. Last evaluated 2025-01-22.

Conditions:
Autosomal recessive limb-girdle muscular dystrophy type 2D (LGMDR3). Also called: DUCHENNE-LIKE AUTOSOMAL RECESSIVE MUSCULAR DYSTROPHY, TYPE 2; MUSCULAR DYSTROPHY, LIMB-GIRDLE, AUTOSOMAL RECESSIVE 3; ADHALINOPATHY, PRIMARY. Identifiers: Orphanet 62, MedGen C2936332, MONDO:0011968, OMIM 608099. Disease mechanism: Affects gamma-sarcoglycan and also disrupts the integrity of the entire sarcoglycan complex..

Submissions (3):

3billion
Classification: Likely pathogenic for Autosomal recessive limb-girdle muscular dystrophy type 2D. Last evaluated: 2025-01-22. Review status: criteria provided, single submitter. Criteria: ACMG Guidelines, 2015. Collection method: clinical testing. Allele origin: germline. Affected: yes.
Comment: The variant is not observed in the gnomAD v4.1.0 dataset. Predicted Consequence/Location: Missense variant Functional studies provide strong evidence of the variant having a damaging effect on the gene or gene product (PMID: 22095924). In silico tool predictions suggest damaging effect of the variant on gene or gene product [REVEL: 0.83 (>=0.6, sensitivity 0.68 and specificity 0.92); 3Cnet: 0.94 (>=0.6, sensitivity 0.72 and precision 0.9)]. The same nucleotide change resulting in the same amino acid change has been previously reported to be associated with SGCA-related disorder (ClinVar ID: VCV000285980 /PMID: 9032047). Therefore, this variant is classified as Likely pathogenic according to the recommendation of ACMG/AMP guideline.

Labcorp Genetics (formerly Invitae), Labcorp
Classification: Likely pathogenic for Autosomal recessive limb-girdle muscular dystrophy type 2D. Last evaluated: 2024-01-06. Review status: criteria provided, single submitter. Criteria: Invitae Variant Classification Sherloc (09022015). Collection method: clinical testing. Allele origin: germline.
Comment: This sequence change replaces valine, which is neutral and non-polar, with isoleucine, which is neutral and non-polar, at codon 196 of the SGCA protein (p.Val196Ile). This variant is not present in population databases (gnomAD no frequency). This missense change has been observed in individual(s) with clinical features of sarcoglycanopathy (PMID: 9032047, 19770540; Inivtae). This variant is also known as G586A (Val197Ile). ClinVar contains an entry for this variant (Variation ID: 285980). An algorithm developed to predict the effect of missense changes on protein structure and function (PolyPhen-2) suggests that this variant is likely to be disruptive. Experimental studies have shown that this missense change affects SGCA function (PMID: 22095924). In summary, the currently available evidence indicates that the variant is pathogenic, but additional data are needed to prove that conclusively. Therefore, this variant has been classified as Likely Pathogenic.

Eurofins Ntd Llc (ga)
Classification: Uncertain significance. Last evaluated: 2016-02-02. Review status: flagged submission. Criteria: EGL Classification Definitions 2015. Collection method: clinical testing. Allele origin: germline. Observed: 1 variant allele, 1 heterozygote. Not counted in ClinVar's aggregate classification.
ClinVar note: Reason: Claim with insufficient supporting evidence

Literature cited by the submitters: PubMed 22095924 (cited by 3 submitters); PubMed 9032047 (cited by 3 submitters); PubMed 19770540 (cited by Labcorp Genetics (formerly Invitae), Labcorp and Eurofins Ntd Llc (ga)).

NM_000023.4(SGCA):c.586G>A (p.Val196Ile)

Gene: SGCA (sarcoglycan alpha; plus strand). Cytogenetic location: 17q21.33.
Variant type: single nucleotide variant.
Coding change: c.586G>A on transcript NM_000023.4 (MANE Select); coding-DNA position 586, G replaced by A.
Protein change: p.Val196Ile; replaces valine 196 with isoleucine.
Molecular consequence: missense variant. On other transcripts: non-coding transcript variant (1), intron variant (1).
Genome position (GRCh38, 1-based): chr17:50,169,093, G>A. VCF-style: chr17-50169093-G-A. GRCh37 (hg19) VCF-style: chr17-48246454-G-A.
Other names: c.584+521G>A (NM_001135697.3); short protein forms V196I.
Identifiers: ClinVar variation 285980 (VCV000285980.9), dbSNP rs752695991, ClinGen allele CA10605322.